The following is an entry in ClinVar:

ClinVar aggregate classification (germline): Uncertain significance (1 of 4 stars; one submission).

Conditions:
Inborn genetic diseases. Identifiers: MedGen C0950123, MeSH D030342.

gnomAD v4.1: 8 of 1,607,178 alleles (0.0005%); highest among the groups gnomAD compares: East Asian, 0.0022%; no homozygotes.

Submission:

Ambry Genetics
Classification: Uncertain significance for Inborn genetic diseases. Last evaluated: 2025-12-30. Review status: criteria provided, single submitter. Criteria: Ambry Variant Classification Scheme 2023. Collection method: clinical testing. Allele origin: germline.
Comment: The c.1961G>A (p.R654Q) alteration is located in exon 16 (coding exon 16) of the SUZ12 gene. This alteration results from a G to A substitution at nucleotide position 1961, causing the arginine (R) at amino acid position 654 to be replaced by a glutamine (Q). Based on data from gnomAD, the A allele has an overall frequency of <0.001% (1/246814) total alleles studied. The highest observed frequency was 0.001% (1/112138) of European (non-Finnish) alleles. Based on insufficient or conflicting evidence, the clinical significance of this alteration remains unclear.

NM_015355.4(SUZ12):c.1961G>A (p.Arg654Gln)

Gene: SUZ12 (SUZ12 polycomb repressive complex 2 subunit; plus strand). Cytogenetic location: 17q11.2.
Variant type: single nucleotide variant.
Coding change: c.1961G>A on transcript NM_015355.4 (MANE Select); coding-DNA position 1961, G replaced by A.
Protein change: p.Arg654Gln; replaces arginine 654 with glutamine.
Molecular consequence: missense variant.
Genome position (GRCh38, 1-based): chr17:31,998,744, G>A. VCF-style: chr17-31998744-G-A. GRCh37 (hg19) VCF-style: chr17-30325763-G-A.
Other names: c.1892G>A, p.Arg631Gln (NM_001321207.2); short protein forms R631Q, R654Q.
Identifiers: ClinVar variation 4838617 (VCV004838617.1).